The following is an entry in ClinVar:

NM_001267550.2(TTN):c.104090G>C (p.Ser34697Thr)

Genes: TTN (titin; minus strand), TTN-AS1 (TTN antisense RNA 1; plus strand). Cytogenetic location: 2q31.2.
Variant type: single nucleotide variant.
Coding change: c.104090G>C on transcript NM_001267550.2 (MANE Select); coding-DNA position 104090, G replaced by C.
Protein change: p.Ser34697Thr; replaces serine 34697 with threonine.
Molecular consequence: missense variant.
Genome position (GRCh38, 1-based): chr2:178,532,525, C>G on the plus strand (G>C on the coding strand, the complement: TTN is on the minus strand). VCF-style: chr2-178532525-C-G. GRCh37 (hg19) VCF-style: chr2-179397252-C-G.
Other names: c.99167G>C, p.Ser33056Thr (NM_001256850.1); c.76895G>C, p.Ser25632Thr (NM_003319.4); c.96386G>C, p.Ser32129Thr (NM_133378.4); c.77270G>C, p.Ser25757Thr (NM_133432.3); c.77471G>C, p.Ser25824Thr (NM_133437.4); short protein forms S32129T, S25757T, S25824T, S25632T, S33056T, S34697T.
Identifiers: ClinVar variation 2035765 (VCV002035765.4), dbSNP rs2468456170, ClinGen allele CA349412553.

ClinVar aggregate classification (germline): Uncertain significance (1 of 4 stars; one submission).

Conditions:
Dilated cardiomyopathy 1G (CMD1G). Identifiers: Orphanet 154, MedGen C1858763, MONDO:0011400, OMIM 604145.
Autosomal recessive limb-girdle muscular dystrophy type 2J (LGMDR10). Also called: Limb-girdle muscular dystrophy, type 2J; MUSCULAR DYSTROPHY, LIMB-GIRDLE, AUTOSOMAL RECESSIVE 10. Identifiers: Orphanet 140922, MedGen C1837342, MONDO:0012127, OMIM 608807.

Submission:

Labcorp Genetics (formerly Invitae), Labcorp
Classification: Uncertain significance for Dilated cardiomyopathy 1G; Autosomal recessive limb-girdle muscular dystrophy type 2J. Last evaluated: 2022-04-15. Review status: criteria provided, single submitter. Criteria: Invitae Variant Classification Sherloc (09022015). Collection method: clinical testing. Allele origin: germline.
Comment: In summary, the available evidence is currently insufficient to determine the role of this variant in disease. Therefore, it has been classified as a Variant of Uncertain Significance. This variant is located in the M band of TTN (PMID: 25589632). Variants in this region may be relevant for neuromuscular disorders, but have not been definitively shown to cause cardiomyopathy (PMID: 23975875). Experimental studies and prediction algorithms are not available or were not evaluated, and the functional significance of this variant is currently unknown. This variant has not been reported in the literature in individuals affected with TTN-related conditions. This variant is not present in population databases (gnomAD no frequency). This sequence change replaces serine, which is neutral and polar, with threonine, which is neutral and polar, at codon 34697 of the TTN protein (p.Ser34697Thr).

Literature cited by the submitters: PubMed 25589632; PubMed 23975875.